The following is an entry in ClinVar:

ClinVar aggregate classification (germline): Uncertain significance (1 of 4 stars; one submission).

Submission:

GeneDx
Classification: Uncertain significance. Last evaluated: 2019-11-11. Review status: criteria provided, single submitter. Criteria: GeneDx Variant Classification Process June 2021. Collection method: clinical testing. Allele origin: germline. Affected: yes.
Comment: Not observed in large population cohorts (Lek et al., 2016); In silico analysis, which includes protein predictors and evolutionary conservation, supports a deleterious effect; Has not been previously published as pathogenic or benign to our knowledge

NM_016284.5(CNOT1):c.6427C>T (p.Pro2143Ser)

Gene: CNOT1 (CCR4-NOT transcription complex subunit 1; minus strand). Cytogenetic location: 16q21.
Variant type: single nucleotide variant.
Coding change: c.6427C>T on transcript NM_016284.5 (MANE Select); coding-DNA position 6427, C replaced by T.
Protein change: p.Pro2143Ser; replaces proline 2143 with serine.
Molecular consequence: missense variant. On other transcripts: non-coding transcript variant (1).
Genome position (GRCh38, 1-based): chr16:58,528,501, G>A on the plus strand (C>T on the coding strand, the complement: CNOT1 is on the minus strand). VCF-style: chr16-58528501-G-A. GRCh37 (hg19) VCF-style: chr16-58562405-G-A.
Other names: c.6412C>T, p.Pro2138Ser (NM_001265612.2); short protein forms P2138S, P2143S.
Identifiers: ClinVar variation 1309877 (VCV001309877.2), dbSNP rs2151898778, ClinGen allele CA396161586.